The following is an entry in ClinVar:

NM_005609.4(PYGM):c.855T>G (p.Asn285Lys)

Gene: PYGM (glycogen phosphorylase, muscle associated; minus strand). Cytogenetic location: 11q13.1.
Variant type: single nucleotide variant.
Coding change: c.855T>G on transcript NM_005609.4 (MANE Select); coding-DNA position 855, T replaced by G.
Protein change: p.Asn285Lys; replaces asparagine 285 with lysine.
Molecular consequence: missense variant.
Genome position (GRCh38, 1-based): chr11:64,755,273, A>C on the plus strand (T>G on the coding strand, the complement: PYGM is on the minus strand). VCF-style: chr11-64755273-A-C. GRCh37 (hg19) VCF-style: chr11-64522745-A-C.
Other names: c.591T>G, p.Asn197Lys (NM_001164716.1); short protein forms N197K, N285K.
Identifiers: ClinVar variation 2000790 (VCV002000790.4), dbSNP rs776369912, ClinGen allele CA381179411.

ClinVar aggregate classification (germline): Uncertain significance (1 of 4 stars; one submission).

Conditions:
Glycogen storage disease, type V (GSD5). Also called: MCARDLE DISEASE; MUSCLE GLYCOGEN PHOSPHORYLASE DEFICIENCY; MYOPHOSPHORYLASE DEFICIENCY; PYGM DEFICIENCY; McArdle type glycogen storage disease. Identifiers: Orphanet 368, MedGen C0017924, MONDO:0009293, OMIM 232600.

Submission:

Labcorp Genetics (formerly Invitae), Labcorp
Classification: Uncertain significance for Glycogen storage disease, type V. Last evaluated: 2023-05-08. Review status: criteria provided, single submitter. Criteria: Invitae Variant Classification Sherloc (09022015). Collection method: clinical testing. Allele origin: germline.
Comment: This sequence change replaces asparagine, which is neutral and polar, with lysine, which is basic and polar, at codon 285 of the PYGM protein (p.Asn285Lys). This variant is not present in population databases (gnomAD no frequency). This variant has not been reported in the literature in individuals affected with PYGM-related conditions. ClinVar contains an entry for this variant (Variation ID: 2000790). An algorithm developed to predict the effect of missense changes on protein structure and function (PolyPhen-2) suggests that this variant is likely to be disruptive. In summary, the available evidence is currently insufficient to determine the role of this variant in disease. Therefore, it has been classified as a Variant of Uncertain Significance.